The following is an entry in ClinVar:

ClinVar aggregate classification (germline): Uncertain significance (1 of 4 stars; one submission).

Submission:

GeneDx
Classification: Uncertain significance. Last evaluated: 2025-12-12. Review status: criteria provided, single submitter. Criteria: GeneDx Variant Classification Process June 2021. Collection method: clinical testing. Allele origin: germline.
Comment: In silico analysis supports that this missense variant has a deleterious effect on protein structure/function; Has not been previously published as pathogenic or benign to our knowledge

NM_015335.5(MED13L):c.487T>G (p.Leu163Val)

Gene: MED13L (mediator complex subunit 13L; minus strand). Cytogenetic location: 12q24.21.
Variant type: single nucleotide variant.
Coding change: c.487T>G on transcript NM_015335.5 (MANE Select); coding-DNA position 487, T replaced by G.
Protein change: p.Leu163Val; replaces leucine 163 with valine.
Molecular consequence: missense variant.
Genome position (GRCh38, 1-based): chr12:116,022,594, A>C on the plus strand (T>G on the coding strand, the complement: MED13L is on the minus strand). VCF-style: chr12-116022594-A-C. GRCh37 (hg19) VCF-style: chr12-116460399-A-C.
Other names: short protein forms L163V.
Identifiers: ClinVar variation 4088001 (VCV004088001.2).